The following is an entry in ClinVar:

ClinVar aggregate classification (germline): Uncertain significance. Review status: criteria provided, multiple submitters, no conflicts (2 of 4 stars). 3 submissions from 3 submitters: Uncertain significance (3). Last evaluated 2025-07-02.

Conditions:
Inborn genetic diseases. Identifiers: MedGen C0950123, MeSH D030342.

Allele frequency attached by ClinVar (database versions not stated): ExAC 0.00002; gnomAD 0.00003 and 0.00004; gnomAD exomes 0.00003 and 0.00005; TOPMed 0.00004.
gnomAD v4.1: 85 of 1,613,988 alleles (0.0053%); highest among the groups gnomAD compares: Non-Finnish European, 0.0068%; no homozygotes.

Submissions (3):

Ambry Genetics
Classification: Uncertain significance for Inborn genetic diseases. Last evaluated: 2025-07-02. Review status: criteria provided, single submitter. Criteria: Ambry Variant Classification Scheme 2023. Collection method: clinical testing. Allele origin: germline.

GeneDx
Classification: Uncertain significance. Last evaluated: 2024-06-08. Review status: criteria provided, single submitter. Criteria: GeneDx Variant Classification Process June 2021. Collection method: clinical testing. Allele origin: germline. Affected: yes.
Comment: Not observed at significant frequency in large population cohorts (gnomAD); In silico analysis supports that this missense variant has a deleterious effect on protein structure/function; Has not been previously published as pathogenic or benign to our knowledge

Labcorp Genetics (formerly Invitae), Labcorp
Classification: Uncertain significance. Last evaluated: 2021-10-20. Review status: criteria provided, single submitter. Criteria: Invitae Variant Classification Sherloc (09022015). Collection method: clinical testing. Allele origin: germline.
Comment: This sequence change replaces glycine with valine at codon 387 of the IARS2 protein (p.Gly387Val). The glycine residue is highly conserved and there is a moderate physicochemical difference between glycine and valine. This variant is present in population databases (rs748379506, ExAC 0.01%). This variant has not been reported in the literature in individuals affected with IARS2-related conditions. Algorithms developed to predict the effect of missense changes on protein structure and function (SIFT, PolyPhen-2, Align-GVGD) all suggest that this variant is likely to be disruptive. Algorithms developed to predict the effect of sequence changes on RNA splicing suggest that this variant may create or strengthen a splice site. In summary, the available evidence is currently insufficient to determine the role of this variant in disease. Therefore, it has been classified as a Variant of Uncertain Significance.

NM_018060.4(IARS2):c.1160G>T (p.Gly387Val)

Gene: IARS2 (isoleucyl-tRNA synthetase 2, mitochondrial; plus strand). Cytogenetic location: 1q41.
Variant type: single nucleotide variant.
Coding change: c.1160G>T on transcript NM_018060.4 (MANE Select); coding-DNA position 1160, G replaced by T.
Protein change: p.Gly387Val; replaces glycine 387 with valine.
Molecular consequence: missense variant.
Genome position (GRCh38, 1-based): chr1:220,105,984, G>T. VCF-style: chr1-220105984-G-T. GRCh37 (hg19) VCF-style: chr1-220279326-G-T.
Other names: c.1160G>T (NM_018060.3); short protein forms G387V.
Identifiers: ClinVar variation 1413341 (VCV001413341.5), dbSNP rs748379506, ClinGen allele CA1401330.